The following is an entry in ClinVar:

NM_001113491.2(SEPTIN9):c.1187A>G (p.Asn396Ser)

Gene: SEPTIN9 (septin 9; plus strand). Cytogenetic location: 17q25.3.
Variant type: single nucleotide variant.
Coding change: c.1187A>G on transcript NM_001113491.2 (MANE Select); coding-DNA position 1187, A replaced by G.
Protein change: p.Asn396Ser; replaces asparagine 396 with serine.
Molecular consequence: missense variant.
Genome position (GRCh38, 1-based): chr17:77,488,789, A>G. VCF-style: chr17-77488789-A-G. GRCh37 (hg19) VCF-style: chr17-75484871-A-G.
Other names: c.695A>G, p.Asn232Ser (NM_001113492.2, NM_001113494.1); c.1166A>G, p.Asn389Ser (NM_001113493.2); c.434A>G, p.Asn145Ser (NM_001113495.2, NM_001113496.2, NM_001293697.2 and 1 more transcripts); c.1130A>G, p.Asn377Ser (NM_001293695.2); c.515A>G, p.Asn172Ser (NM_001293696.2); c.1133A>G, p.Asn378Ser (NM_006640.5); short protein forms N145S, N172S, N232S, N377S, N378S, N389S, N396S.
Identifiers: ClinVar variation 2445576 (VCV002445576.4), dbSNP rs763187057, ClinGen allele CA8793706.

ClinVar aggregate classification (germline): Uncertain significance (1 of 4 stars; one submission).

gnomAD v4.1: 8 of 1,613,940 alleles (0.0005%); highest among the groups gnomAD compares: African/African-American, 0.0027%; no homozygotes.

Submission:

Labcorp Genetics (formerly Invitae), Labcorp
Classification: Uncertain significance. Last evaluated: 2025-02-17. Review status: criteria provided, single submitter. Criteria: Invitae Variant Classification Sherloc (09022015). Collection method: clinical testing. Allele origin: germline.
Comment: This sequence change replaces asparagine, which is neutral and polar, with serine, which is neutral and polar, at codon 378 of the SEPT9 protein (p.Asn378Ser). This variant is present in population databases (rs763187057, gnomAD 0.002%). This variant has not been reported in the literature in individuals affected with SEPT9-related conditions. ClinVar contains an entry for this variant (Variation ID: 2445576). An algorithm developed to predict the effect of missense changes on protein structure and function outputs the following: PolyPhen-2: "Benign". The serine amino acid residue is found in multiple mammalian species, which suggests that this missense change does not adversely affect protein function. In summary, the available evidence is currently insufficient to determine the role of this variant in disease. Therefore, it has been classified as a Variant of Uncertain Significance.